The following is an entry in ClinVar:

ClinVar aggregate classification (germline): Benign/Likely benign. Review status: criteria provided, multiple submitters, no conflicts (2 of 4 stars). 3 submissions from 3 submitters: Benign (1); Likely benign (2). Last evaluated 2024-10-24.

Conditions:
Birt-Hogg-Dube syndrome. Also called: Birt Hogg Dubé syndrome. Identifiers: Orphanet 122, MedGen C0346010, MONDO:0800444.
Hereditary cancer-predisposing syndrome. Also called: Neoplastic Syndromes, Hereditary; Hereditary neoplastic syndrome; Hereditary Cancer Syndrome; Tumor predisposition. Identifiers: Orphanet 140162, MedGen C0027672, MeSH D009386, MONDO:0015356.
Birt-Hogg-Dube syndrome 1 (BHD1). Also called: FIBROFOLLICULOMAS WITH TRICHODISCOMAS AND ACROCHORDONS. Identifiers: Orphanet 122, MedGen CN375946, MONDO:0800445, OMIM 135150.

Submissions (3):

Myriad Genetics, Inc.
Classification: Benign for Birt-Hogg-Dube syndrome 1. Last evaluated: 2024-10-24. Review status: criteria provided, single submitter. Criteria: Myriad Autosomal Dominant, Autosomal Recessive and X-Linked Classification Criteria (2023). Collection method: clinical testing. Allele origin: unknown.
Comment: This variant is considered benign. This variant is a silent/synonymous amino acid change and it is not expected to impact splicing.

Labcorp Genetics (formerly Invitae), Labcorp
Classification: Likely benign for Birt-Hogg-Dube syndrome. Last evaluated: 2024-04-08. Review status: criteria provided, single submitter. Criteria: Invitae Variant Classification Sherloc (09022015). Collection method: clinical testing. Allele origin: germline.

Ambry Genetics
Classification: Likely benign for Hereditary cancer-predisposing syndrome. Last evaluated: 2021-03-29. Review status: criteria provided, single submitter. Criteria: Ambry Variant Classification Scheme 2023. Collection method: clinical testing. Allele origin: germline.

NM_144997.7(FLCN):c.1311C>G (p.Val437=)

Gene: FLCN (folliculin; minus strand). Cytogenetic location: 17p11.2.
Variant type: single nucleotide variant.
Coding change: c.1311C>G on transcript NM_144997.7 (MANE Select); coding-DNA position 1311, C replaced by G.
Protein change: p.Val437=; no amino-acid change (valine 437 retained).
Molecular consequence: synonymous variant.
Genome position (GRCh38, 1-based): chr17:17,215,306, G>C on the plus strand (C>G on the coding strand, the complement: FLCN is on the minus strand). VCF-style: chr17-17215306-G-C. GRCh37 (hg19) VCF-style: chr17-17118620-G-C.
Other names: c.1365C>G, p.Val455= (NM_001353229.2); c.1311C>G, p.Val437= (NM_001353230.2, NM_001353231.2).
Identifiers: ClinVar variation 1579222 (VCV001579222.14), dbSNP rs1002586963, ClinGen allele CA288305833.